The following is an entry in ClinVar:

NM_014112.5(TRPS1):c.1728_1729del (p.His576fs)

Gene: TRPS1 (transcriptional repressor GATA binding 1; minus strand). Cytogenetic location: 8q23.3.
Variant type: Deletion.
Coding change: c.1728_1729del on transcript NM_014112.5 (MANE Select); coding-DNA positions 1728 to 1729, 2 bases deleted (CT; older notation c.1728_1729delCT).
Protein change: p.His576fs; shifts the reading frame from histidine 576.
Molecular consequence: frameshift variant.
Genome position (GRCh38, 1-based): chr8:115,604,240-115,604,241, AG deleted on the plus strand (CT on the coding strand, the reverse complement: TRPS1 is on the minus strand). VCF-style (leftmost placement, unchanged base first): chr8-115604239-CAG-C. GRCh37 (hg19) VCF-style: chr8-116616466-CAG-C.
Other names: c.1701_1702del, p.His567fs (NM_001282902.3); c.1707_1708del, p.His569fs (NM_001282903.3); c.1689_1690del, p.His563fs (NM_001330599.2); c.1728_1729delCT (NM_014112.5); short protein forms H563fs, H567fs, H569fs, H576fs.
Identifiers: ClinVar variation 4851498 (VCV004851498.1).

ClinVar aggregate classification (germline): Likely pathogenic (1 of 4 stars; one submission).

Conditions:
Trichorhinophalangeal dysplasia type I (TRPS1). Also called: TRICHORHINOPHALANGEAL SYNDROME, TYPE I; TRPS I. Identifiers: Orphanet 77258, MedGen C0432233, MONDO:0008596, OMIM 190350.

Submission:

Division of Clinical Genetics, Department of Pediatrics, Seoul National University Children's Hospital
Classification: Likely pathogenic for Trichorhinophalangeal dysplasia type I. Last evaluated: 2026-05-24. Review status: criteria provided, single submitter. Criteria: ACMG Guidelines, 2015. Collection method: clinical testing. Allele origin: germline. Affected: yes.
Comment: loss-of-function variants of TRPS1 are an established cause of Trichorhinophalangeal syndrome, type I (TRPS1; OMIM #190350). The variant NM_014112.5:c.1728_1729del is located in exon 4 of TRPS1 and results in a frameshift, predicted to lead to nonsense-mediated mRNA decay or a truncated non-functional protein, qualifying as a null variant (PVS1). This variant is absent from the general population in gnomAD v4.1.1 (PM2). Based on these findings, this variant is classified as Likely Pathogenic according to the ACMG/AMP variant interpretation guidelines (Richards et al., 2015, PMID:25741868).